The following is an entry in ClinVar:

ClinVar aggregate classification (germline): Conflicting classifications of pathogenicity. Review status: criteria provided, conflicting classifications (1 of 4 stars). 6 submissions from 6 submitters: Uncertain significance (1); Likely benign (5). Last evaluated 2026-05-19.

Conditions:
Left ventricular noncompaction 8 (LVNC8). Identifiers: Orphanet 154, Orphanet 54260, MedGen C3809288, MONDO:0014152, OMIM 615373.
Inborn genetic diseases. Identifiers: MedGen C0950123, MeSH D030342.

Allele frequency attached by ClinVar (database versions not stated): gnomAD exomes 0.00008 and 0.00014; ExAC 0.00015; ESP Exome Variant Server 0.00032; gnomAD 0.00034; TOPMed 0.00040.
gnomAD v4.1: 175 of 1,613,650 alleles (0.011%); highest among the groups gnomAD compares: African/African-American, 0.11%; no homozygotes.

Submissions (6):

Women's Health and Genetics/Laboratory Corporation of America, LabCorp
Classification: Likely benign. Last evaluated: 2026-05-19. Review status: criteria provided, single submitter. Criteria: LabCorp Variant Classification Summary - May 2015. Collection method: clinical testing. Allele origin: germline.
Comment: Variant summary: PRDM16 c.1726G>A (p.Glu576Lys) results in a conservative amino acid change in the encoded protein sequence. Algorithms developed to predict the effect of missense changes on protein structure and function are either unavailable or do not agree on the potential impact of this missense change. The variant allele was found at a frequency of 0.00014 in 248542 control chromosomes, predominantly at a frequency of 0.00095 within the East Asian subpopulation in the gnomAD database. The observed variant frequency within East Asian control individuals in the gnomAD database exceeds the estimated maximal expected allele frequency for disease-causing variants in PRDM16. To our knowledge, no occurrence of c.1726G>A in individuals affected with PRDM16-related conditions and no experimental evidence demonstrating its impact on protein function have been reported. ClinVar contains an entry for this variant (Variation ID: 430198). Based on the evidence outlined above, the variant was classified as likely benign.

Labcorp Genetics (formerly Invitae), Labcorp
Classification: Likely benign for Left ventricular noncompaction 8. Last evaluated: 2026-01-25. Review status: criteria provided, single submitter. Criteria: Invitae Variant Classification Sherloc (09022015). Collection method: clinical testing. Allele origin: germline.

Blueprint Genetics
Classification: Likely benign. Last evaluated: 2024-09-05. Review status: criteria provided, single submitter. Criteria: ACMG Guidelines, 2015. Collection method: clinical testing. Allele origin: germline.

Ambry Genetics
Classification: Uncertain significance for Inborn genetic diseases. Last evaluated: 2023-12-28. Review status: criteria provided, single submitter. Criteria: Ambry Variant Classification Scheme 2023. Collection method: clinical testing. Allele origin: germline.

GeneDx
Classification: Likely benign. Last evaluated: 2019-07-25. Review status: criteria provided, single submitter. Criteria: GeneDx Variant Classification Process June 2021. Collection method: clinical testing. Allele origin: germline. Affected: yes.

Breakthrough Genomics
Classification: Likely benign. Review status: criteria provided, single submitter. Criteria: ACMG Guidelines, 2015. Collection method: not provided. Allele origin: germline. Inheritance: Autosomal dominant inheritance. Affected: yes.

NM_022114.4(PRDM16):c.1726G>A (p.Glu576Lys)

Gene: PRDM16 (PR/SET domain 16; plus strand). Cytogenetic location: 1p36.32.
Variant type: single nucleotide variant.
Coding change: c.1726G>A on transcript NM_022114.4 (MANE Select); coding-DNA position 1726, G replaced by A.
Protein change: p.Glu576Lys; replaces glutamic acid 576 with lysine.
Molecular consequence: missense variant.
Genome position (GRCh38, 1-based): chr1:3,411,923, G>A. VCF-style: chr1-3411923-G-A. GRCh37 (hg19) VCF-style: chr1-3328487-G-A.
Other names: c.1726G>A, p.Glu576Lys (NM_199454.3); short protein forms E576K.
Identifiers: ClinVar variation 430198 (VCV000430198.17), dbSNP rs201517929, ClinGen allele CA544268.
Genomic context (GRCh38, chr1:3,411,923, plus strand): 5'-CTGCCCCTGGTCTCCGCCGTCAGCAACAGCAGCCAGGGCACGACGGCAGCTGCGGGGCCC[G>A]AGGAGAAGTTCGAGAGCCGCCTGGAGGACTCCTGTGTGGAGAAGCTGAAGACCAGGAGCA-3'
Protein context (NP_071397.3, residues 566-586): SQGTTAAAGP[Glu576Lys]EKFESRLEDS